The following is an entry in ClinVar:

NM_000465.4(BARD1):c.404A>T (p.Asp135Val)

Gene: BARD1 (BRCA1 associated RING domain 1; minus strand). Cytogenetic location: 2q35.
Variant type: single nucleotide variant.
Coding change: c.404A>T on transcript NM_000465.4 (MANE Select); coding-DNA position 404, A replaced by T.
Protein change: p.Asp135Val; replaces aspartic acid 135 with valine.
Molecular consequence: missense variant. On other transcripts: non-coding transcript variant (2), intron variant (3).
Genome position (GRCh38, 1-based): chr2:214,781,470, T>A on the plus strand (A>T on the coding strand, the complement: BARD1 is on the minus strand). VCF-style: chr2-214781470-T-A. GRCh37 (hg19) VCF-style: chr2-215646194-T-A.
Other names: c.347A>T, p.Asp116Val (NM_001282543.2); c.158+27942A>T (NM_001282548.2); c.215+15591A>T (NM_001282545.2); c.364+10827A>T (NM_001282549.2); short protein forms D116V, D135V.
Identifiers: ClinVar variation 1737343 (VCV001737343.2), dbSNP rs778256124, ClinGen allele CA350458041.
Genomic context (GRCh38, chr2:214,781,470, plus strand): 5'-CTGACTTTCTTACTTCGAGGGCTAAACCACATTTTAATTGAATTCTTCTTGTTTCCTGCA[T>A]CATTAAACAAACTTTTCCTAGGTTTATCTTCTTTCAAATCTGACAGAAAAAAAGAAAAAG-3'
Protein context (NP_000456.2, residues 125-145): EDKPRKSLFN[Asp135Val]AGNKKNSIKM

ClinVar aggregate classification (germline): Uncertain significance (1 of 4 stars; one submission).

Conditions:
Hereditary cancer-predisposing syndrome. Also called: Neoplastic Syndromes, Hereditary; Tumor predisposition; Hereditary Cancer Syndrome; Hereditary neoplastic syndrome. Identifiers: Orphanet 140162, MedGen C0027672, MeSH D009386, MONDO:0015356.

Submission:

Ambry Genetics
Classification: Uncertain significance for Hereditary cancer-predisposing syndrome. Last evaluated: 2022-04-21. Review status: criteria provided, single submitter. Criteria: Ambry Variant Classification Scheme 2023. Collection method: clinical testing. Allele origin: germline.
Comment: The p.D135V variant (also known as c.404A>T), located in coding exon 4 of the BARD1 gene, results from an A to T substitution at nucleotide position 404. The aspartic acid at codon 135 is replaced by valine, an amino acid with highly dissimilar properties. This amino acid position is conserved. In addition, this alteration is predicted to be tolerated by in silico analysis. Since supporting evidence is limited at this time, the clinical significance of this alteration remains unclear.